The following is an entry in ClinVar:

ClinVar aggregate classification (germline): Uncertain significance (1 of 4 stars; one submission).

Allele frequency attached by ClinVar (database versions not stated): gnomAD exomes below 0.00001; ExAC 0.00001.
gnomAD v4.1: 1 of 1,607,100 alleles (0.000062%); highest among the groups gnomAD compares: South Asian, 0.0011%; no homozygotes.

Submission:

Labcorp Genetics (formerly Invitae), Labcorp
Classification: Uncertain significance. Last evaluated: 2022-10-18. Review status: criteria provided, single submitter. Criteria: Invitae Variant Classification Sherloc (09022015). Collection method: clinical testing. Allele origin: germline.
Comment: This variant has not been reported in the literature in individuals affected with TNNI3K-related conditions. In summary, the available evidence is currently insufficient to determine the role of this variant in disease. Therefore, it has been classified as a Variant of Uncertain Significance. ClinVar contains an entry for this variant (Variation ID: 1410414). This variant is present in population databases (rs774789454, gnomAD 0.003%). This sequence change creates a premature translational stop signal (p.Glu41*) in the TNNI3K gene. It is expected to result in an absent or disrupted protein product. However, the current clinical and genetic evidence is not sufficient to establish whether loss-of-function variants in TNNI3K cause disease.

NM_015978.3(TNNI3K):c.121G>T (p.Glu41Ter)

Genes: FPGT-TNNI3K (FPGT-TNNI3K readthrough; plus strand), TNNI3K (TNNI3 interacting kinase; plus strand). Cytogenetic location: 1p31.1.
Variant type: single nucleotide variant.
Coding change: c.121G>T on transcript NM_015978.3 (MANE Select); coding-DNA position 121, G replaced by T.
Protein change: p.Glu41Ter; replaces glutamic acid 41 with a stop codon.
Molecular consequence: nonsense.
Genome position (GRCh38, 1-based): chr1:74,236,182, G>T. VCF-style: chr1-74236182-G-T. GRCh37 (hg19) VCF-style: chr1-74701866-G-T.
Other names: c.424G>T, p.Glu142Ter (NM_001112808.3, NM_001199327.2); short protein forms E41*, E142*.
Identifiers: ClinVar variation 1410414 (VCV001410414.6), dbSNP rs774789454, ClinGen allele CA908762.